The following is an entry in ClinVar:

ClinVar aggregate classification (germline): Uncertain significance. Review status: criteria provided, multiple submitters, no conflicts (2 of 4 stars). 2 submissions from 2 submitters: Uncertain significance (2). Last evaluated 2025-05-16.

gnomAD v4.1: 4 of 1,613,960 alleles (0.00025%); highest among the groups gnomAD compares: Admixed American, 0.005%; no homozygotes.

Submissions (2):

Ambry Genetics
Classification: Uncertain significance. Last evaluated: 2025-05-16. Review status: criteria provided, single submitter. Criteria: Ambry Variant Classification Scheme 2023. Collection method: clinical testing. Allele origin: germline.

Dasa
Classification: Uncertain significance. Last evaluated: 2025-01-30. Review status: criteria provided, single submitter. Criteria: DASA Assertion Criteria. Collection method: clinical testing. Allele origin: germline.
Comment: NM_001164760.2(PRKAR1B):c.31G>A (p.Glu11Lys) is a missense variant that results in the substitution of glutamic acid with lysine. This variant is rare in population databases. Computational prediction algorithms are consistent with a benign effect. The currently available literature and clinical evidence are not sufficient to establish a definitive association between this variant and the reported condition. Therefore, this variant is classified as a variant of uncertain significance.

NM_001164760.2(PRKAR1B):c.31G>A (p.Glu11Lys)

Gene: PRKAR1B (protein kinase cAMP-dependent type I regulatory subunit beta; minus strand). Cytogenetic location: 7p22.3.
Variant type: single nucleotide variant.
Coding change: c.31G>A on transcript NM_001164760.2 (MANE Select); coding-DNA position 31, G replaced by A.
Protein change: p.Glu11Lys; replaces glutamic acid 11 with lysine.
Molecular consequence: missense variant.
Genome position (GRCh38, 1-based): chr7:711,475, C>T on the plus strand (G>A on the coding strand, the complement: PRKAR1B is on the minus strand). VCF-style: chr7-711475-C-T. GRCh37 (hg19) VCF-style: chr7-751112-C-T.
Other names: c.31G>A, p.Glu11Lys (NM_001164758.2, NM_001164759.1, NM_001164761.2 and 2 more transcripts); short protein forms E11K.
Identifiers: ClinVar variation 3938101 (VCV003938101.3).